The following is an entry in ClinVar:

NM_001371623.1(TCOF1):c.2258A>G (p.Gln753Arg)

Gene: TCOF1 (treacle ribosome biogenesis factor 1; plus strand). Cytogenetic location: 5q32.
Variant type: single nucleotide variant.
Coding change: c.2258A>G on transcript NM_001371623.1 (MANE Select); coding-DNA position 2258, A replaced by G.
Protein change: p.Gln753Arg; replaces glutamine 753 with arginine.
Molecular consequence: missense variant.
Genome position (GRCh38, 1-based): chr5:150,376,538, A>G. VCF-style: chr5-150376538-A-G. GRCh37 (hg19) VCF-style: chr5-149756101-A-G.
Other names: c.2027A>G, p.Gln676Arg (NM_000356.4, NM_001135245.2); c.2258A>G, p.Gln753Arg (NM_001008657.3, NM_001135243.2, NM_001135244.2 and 1 more transcripts); c.2258A>G (NM_001135243.1); short protein forms Q753R, Q676R.
Identifiers: ClinVar variation 2041542 (VCV002041542.6), dbSNP rs768289762, ClinGen allele CA361755073.

ClinVar aggregate classification (germline): Uncertain significance. Review status: criteria provided, multiple submitters, no conflicts (2 of 4 stars). 3 submissions from 3 submitters: Uncertain significance (3). Last evaluated 2025-08-07.

Conditions:
Inborn genetic diseases. Identifiers: MedGen C0950123, MeSH D030342.
Treacher Collins syndrome 1 (TCS1). Also called: TCOF1-Related Treacher Collins Syndrome. Identifiers: Orphanet 861, MedGen CN315775, MONDO:0007944, OMIM 154500.

gnomAD v4.1: 10 of 1,609,346 alleles (0.00062%); highest among the groups gnomAD compares: Non-Finnish European, 0.00085%; no homozygotes.

Submissions (3):

Ambry Genetics
Classification: Uncertain significance for Inborn genetic diseases. Last evaluated: 2025-08-07. Review status: criteria provided, single submitter. Criteria: Ambry Variant Classification Scheme 2023. Collection method: clinical testing. Allele origin: germline.

Labcorp Genetics (formerly Invitae), Labcorp
Classification: Uncertain significance for Treacher Collins syndrome 1. Last evaluated: 2022-06-14. Review status: criteria provided, single submitter. Criteria: Invitae Variant Classification Sherloc (09022015). Collection method: clinical testing. Allele origin: germline.
Comment: In summary, the available evidence is currently insufficient to determine the role of this variant in disease. Therefore, it has been classified as a Variant of Uncertain Significance. Algorithms developed to predict the effect of missense changes on protein structure and function are either unavailable or do not agree on the potential impact of this missense change (SIFT: "Tolerated"; PolyPhen-2: "Probably Damaging"; Align-GVGD: "Class C0"). This variant has not been reported in the literature in individuals affected with TCOF1-related conditions. This variant is not present in population databases (gnomAD no frequency). This sequence change replaces glutamine, which is neutral and polar, with arginine, which is basic and polar, at codon 753 of the TCOF1 protein (p.Gln753Arg).

Blueprint Genetics
Classification: Uncertain significance. Last evaluated: 2020-10-05. Review status: criteria provided, single submitter. Criteria: ACMG Guidelines, 2015. Collection method: clinical testing. Allele origin: germline.